The following is an entry in ClinVar:

ClinVar aggregate classification (germline): Uncertain significance (1 of 4 stars; one submission).

Allele frequency attached by ClinVar (database versions not stated): TOPMed below 0.00001; gnomAD exomes 0.00001 and 0.00002.
gnomAD v4.1: 23 of 1,598,478 alleles (0.0014%); highest among the groups gnomAD compares: Non-Finnish European, 0.0019%; no homozygotes.

Submission:

Labcorp Genetics (formerly Invitae), Labcorp
Classification: Uncertain significance. Last evaluated: 2021-09-01. Review status: criteria provided, single submitter. Criteria: Invitae Variant Classification Sherloc (09022015). Collection method: clinical testing. Allele origin: germline.
Comment: This sequence change replaces proline with leucine at codon 451 of the SZT2 protein (p.Pro451Leu). The proline residue is weakly conserved and there is a moderate physicochemical difference between proline and leucine. This variant is not present in population databases (ExAC no frequency). This variant has not been reported in the literature in individuals affected with SZT2-related conditions. Algorithms developed to predict the effect of missense changes on protein structure and function output the following: SIFT: "Tolerated"; PolyPhen-2: "Benign"; Align-GVGD: "Class C0". The leucine amino acid residue is found in multiple mammalian species, which suggests that this missense change does not adversely affect protein function. In summary, the available evidence is currently insufficient to determine the role of this variant in disease. Therefore, it has been classified as a Variant of Uncertain Significance.

NM_001365999.1(SZT2):c.1352C>T (p.Pro451Leu)

Gene: SZT2 (SZT2 subunit of KICSTOR complex; plus strand). Cytogenetic location: 1p34.2.
Variant type: single nucleotide variant.
Coding change: c.1352C>T on transcript NM_001365999.1 (MANE Select); coding-DNA position 1352, C replaced by T.
Protein change: p.Pro451Leu; replaces proline 451 with leucine.
Molecular consequence: missense variant.
Genome position (GRCh38, 1-based): chr1:43,420,839, C>T. VCF-style: chr1-43420839-C-T. GRCh37 (hg19) VCF-style: chr1-43886510-C-T.
Other names: c.1352C>T, p.Pro451Leu (NM_015284.4); short protein forms P451L.
Identifiers: ClinVar variation 837762 (VCV000837762.7), dbSNP rs1219290485, ClinGen allele CA340007390.